The following is an entry in ClinVar:

NM_001008212.2(OPTN):c.616T>G (p.Ser206Ala)

Gene: OPTN (optineurin; plus strand). Cytogenetic location: 10p13.
Variant type: single nucleotide variant.
Coding change: c.616T>G on transcript NM_001008212.2 (MANE Select); coding-DNA position 616, T replaced by G.
Protein change: p.Ser206Ala; replaces serine 206 with alanine.
Molecular consequence: missense variant.
Genome position (GRCh38, 1-based): chr10:13,116,330, T>G. VCF-style: chr10-13116330-T-G. GRCh37 (hg19) VCF-style: chr10-13158330-T-G.
Other names: c.616T>G, p.Ser206Ala (NM_001008211.1, NM_001008213.1, NM_021980.4); short protein forms S206A.
Identifiers: ClinVar variation 2939203 (VCV002939203.3), dbSNP rs960735645, ClinGen allele CA203259558.
Genomic context (GRCh38, chr10:13,116,330, plus strand): 5'-GGAGAAGCAGAAGGGTCAGTAAAAGAAATCAAGCATAGTCCTGGGCCCACGAGAACAGTC[T>G]CCACTGGCACGTATGTGAAGGAAGACTCGGGCTGTCAGGCAGACAGGCTGGGCAGGCTCG-3'
Protein context (NP_001008213.1, residues 196-216): KHSPGPTRTV[Ser206Ala]TGTALSKYRS

ClinVar aggregate classification (germline): Uncertain significance (1 of 4 stars; one submission).

Conditions:
Primary open angle glaucoma (POAG). Also called: OPTN-related open angle glaucoma. Identifiers: MedGen C0339573, MONDO:0100553, OMIM 137760.
Amyotrophic lateral sclerosis type 12 (ALS12). Also called: AMYOTROPHIC LATERAL SCLEROSIS 12 WITH OR WITHOUT FRONTOTEMPORAL DEMENTIA. Identifiers: Orphanet 803, MedGen C3150692, MONDO:0013264, OMIM 613435.
Glaucoma 1, open angle, E. Identifiers: MedGen C1842026, MONDO:0007665.

Allele frequency attached by ClinVar (database versions not stated): gnomAD exomes below 0.00001.
gnomAD v4.1: 1 of 1,612,894 alleles (0.000062%); highest among the groups gnomAD compares: Non-Finnish European, 0.000085%; no homozygotes.

Submission:

Labcorp Genetics (formerly Invitae), Labcorp
Classification: Uncertain significance for Primary open angle glaucoma; Glaucoma 1, open angle, E; Amyotrophic lateral sclerosis type 12. Last evaluated: 2025-06-12. Review status: criteria provided, single submitter. Criteria: Invitae Variant Classification Sherloc (09022015). Collection method: clinical testing. Allele origin: germline.
Comment: This sequence change replaces serine, which is neutral and polar, with alanine, which is neutral and non-polar, at codon 206 of the OPTN protein (p.Ser206Ala). This variant is not present in population databases (gnomAD no frequency). This variant has not been reported in the literature in individuals affected with OPTN-related conditions. ClinVar contains an entry for this variant (Variation ID: 2939203). An algorithm developed to predict the effect of missense changes on protein structure and function outputs the following: PolyPhen-2: "Benign". The alanine amino acid residue is found in multiple mammalian species, which suggests that this missense change does not adversely affect protein function. In summary, the available evidence is currently insufficient to determine the role of this variant in disease. Therefore, it has been classified as a Variant of Uncertain Significance.